The following is an entry in ClinVar:

NM_001273.5(CHD4):c.3090+2T>C

Gene: CHD4 (chromodomain helicase DNA binding protein 4; minus strand). Cytogenetic location: 12p13.31.
Variant type: single nucleotide variant.
Coding change: c.3090+2T>C on transcript NM_001273.5 (MANE Select); the canonical splice donor site of the intron after coding-DNA position 3090, T replaced by C.
Molecular consequence: splice donor variant.
Genome position (GRCh38, 1-based): chr12:6,591,914, A>G on the plus strand (T>C on the coding strand, the complement: CHD4 is on the minus strand). VCF-style: chr12-6591914-A-G. GRCh37 (hg19) VCF-style: chr12-6701080-A-G.
Other names: c.3051+2T>C (NM_001363606.2); c.3069+2T>C (NM_001297553.2).
Identifiers: ClinVar variation 3775787 (VCV003775787.1).

ClinVar aggregate classification (germline): Likely pathogenic (1 of 4 stars; one submission).

Conditions:
Sifrim-Hitz-Weiss syndrome (SIHIWES). Also called: CHD4 Neurodevelopmental Disorder; SIFRIM-HITZ-WEISS MULTIPLE CONGENITAL ANOMALIES-MENTAL RETARDATION SYNDROME. Identifiers: Orphanet 653712, MedGen C4310688, MONDO:0014946, OMIM 617159.

Submission:

3billion
Classification: Likely pathogenic for Sifrim-Hitz-Weiss syndrome. Last evaluated: 2024-01-30. Review status: criteria provided, single submitter. Criteria: ACMG Guidelines, 2015. Collection method: clinical testing. Allele origin: germline. Affected: yes.
Comment: The variant is not observed in the gnomAD v2.1.1 dataset. Predicted Consequence/Location: Canonical splice site: predicted to alter splicing and result in a loss or disruption of normal protein function. Multiple pathogenic loss-of-function variants are reported downstream of the variant. In silico tools predict the variant to alter splicing and produce an abnormal transcript [Splice AI: 0.56 (spliceogenicity >=0.2, non-spliceogenicity <0.1)]. Therefore, this variant is classified as Likely pathogenic according to the recommendation of ACMG/AMP guideline.